The following is an entry in ClinVar:

ClinVar aggregate classification (germline): Uncertain significance. Review status: criteria provided, multiple submitters, no conflicts (2 of 4 stars). 3 submissions from 3 submitters: Uncertain significance (3). Last evaluated 2024-12-11.

Conditions:
Pheochromocytoma. Also called: MAX-Related Hereditary Paraganglioma-Pheochromocytoma Syndrome. Identifiers: Orphanet 29072, MedGen C0031511, MONDO:0008233, OMIM 171300, HP:0002666.

Allele frequency attached by ClinVar (database versions not stated): gnomAD 0.00001.
gnomAD v4.1: 43 of 1,612,962 alleles (0.0027%); highest among the groups gnomAD compares: Non-Finnish European, 0.0036%; no homozygotes.

Submissions (3):

ARUP Laboratories, Molecular Genetics and Genomics, ARUP Laboratories
Classification: Uncertain significance. Last evaluated: 2024-12-11. Review status: criteria provided, single submitter. Criteria: ARUP Molecular Germline Variant Investigation Process 2024. Collection method: clinical testing. Allele origin: germline.
Comment: The KIF1B c.5162C>G; p.Thr1721Ser variant (rs1319338839), to our knowledge, is not reported in the medical literature but is reported in ClinVar (Variation ID: 1710968). This variant is found in the non-Finnish European population with an allele frequency of 0.002% (3/129,200 alleles) in the Genome Aggregation Database (v2.1.1). Computational analyses predict that this variant is neutral (REVEL: 0.139). However, given the lack of clinical and functional data, the significance of this variant is uncertain at this time.

Ambry Genetics
Classification: Uncertain significance. Last evaluated: 2024-01-22. Review status: criteria provided, single submitter. Criteria: Ambry Variant Classification Scheme 2023. Collection method: clinical testing. Allele origin: germline.
Comment: The p.T1721S variant (also known as c.5162C>G), located in coding exon 45 of the KIF1B gene, results from a C to G substitution at nucleotide position 5162. The threonine at codon 1721 is replaced by serine, an amino acid with similar properties. This amino acid position is well conserved in available vertebrate species. In addition, this alteration is predicted to be tolerated by in silico analysis. Since supporting evidence is limited at this time, the clinical significance of this alteration remains unclear.

St. Jude Molecular Pathology, St. Jude Children's Research Hospital
Classification: Uncertain significance for Pheochromocytoma. Last evaluated: 2022-07-27. Review status: criteria provided, single submitter. Criteria: St. Jude Assertion Criteria 2020. Collection method: clinical testing. Allele origin: germline.
Comment: The KIF1B c.5162C>G (p.Thr1721Ser) missense change has a maximum subpopulation frequency of 0.0023% in gnomAD v2.1.1. The in silico tool REVEL predicts a benign effect on protein function, but to our knowledge this prediction has not been confirmed by functional studies. To our knowledge, this variant has not been reported in individuals with pheochromocytoma or neuroblastoma. In summary, the evidence currently available is insufficient to determine the clinical significance of this variant. It has therefore been classified as of uncertain significance.

NM_001365951.3(KIF1B):c.5300C>G (p.Thr1767Ser)

Gene: KIF1B (kinesin family member 1B; plus strand). Cytogenetic location: 1p36.22.
Variant type: single nucleotide variant.
Coding change: c.5300C>G on transcript NM_001365951.3 (MANE Select); coding-DNA position 5300, C replaced by G.
Protein change: p.Thr1767Ser; replaces threonine 1767 with serine.
Molecular consequence: missense variant.
Genome position (GRCh38, 1-based): chr1:10,375,265, C>G. VCF-style: chr1-10375265-C-G. GRCh37 (hg19) VCF-style: chr1-10435323-C-G.
Other names: c.5300C>G, p.Thr1767Ser (NM_001365952.1); c.5162C>G, p.Thr1721Ser (NM_015074.3); short protein forms T1721S, T1767S.
Identifiers: ClinVar variation 1710968 (VCV001710968.4), dbSNP rs1319338839, ClinGen allele CA338331641.
Genomic context (GRCh38, chr1:10,375,265, plus strand): 5'-CATTGCTGTCTCTGTAGTAACTTTCTTGTCTACCTGCATTTTTCTTTCAGACACCAAACA[C>G]CTTTGCTGTCTGCACAAAGCACCGTGGGGTCCTTTTGCAGGCCCTCAATGACAAAGACAT-3'
Protein context (NP_001352880.1, residues 1757-1777): DQQAMVKTPN[Thr1767Ser]FAVCTKHRGV